The following is an entry in ClinVar:

NM_000070.3(CAPN3):c.324T>A (p.Asn108Lys)

Gene: CAPN3 (calpain 3; plus strand). Cytogenetic location: 15q15.1.
Variant type: single nucleotide variant.
Coding change: c.324T>A on transcript NM_000070.3 (MANE Select); coding-DNA position 324, T replaced by A.
Protein change: p.Asn108Lys; replaces asparagine 108 with lysine.
Molecular consequence: missense variant.
Genome position (GRCh38, 1-based): chr15:42,384,497, T>A. VCF-style: chr15-42384497-T-A. GRCh37 (hg19) VCF-style: chr15-42676695-T-A.
Other names: c.324T>A, p.Asn108Lys (NM_024344.2, NM_173087.2); short protein forms N108K.
Identifiers: ClinVar variation 1352483 (VCV001352483.6), dbSNP rs2141155500, ClinGen allele CA391997335.

ClinVar aggregate classification (germline): Uncertain significance (1 of 4 stars; one submission).

Conditions:
Autosomal recessive limb-girdle muscular dystrophy type 2A (LGMDR1). Also called: Limb-girdle muscular dystrophy, type 2A; Muscular dystrophy, limb-girdle, type 2A, Amish; LEYDEN-MOEBIUS MUSCULAR DYSTROPHY; MUSCULAR DYSTROPHY, PELVOFEMORAL; Calpainopathy. Identifiers: Orphanet 267, MedGen C1869123, MONDO:0009675, OMIM 253600. Disease mechanism: loss of function.

Submission:

Labcorp Genetics (formerly Invitae), Labcorp
Classification: Uncertain significance for Autosomal recessive limb-girdle muscular dystrophy type 2A. Last evaluated: 2025-06-17. Review status: criteria provided, single submitter. Criteria: Invitae Variant Classification Sherloc (09022015). Collection method: clinical testing. Allele origin: germline.
Comment: This sequence change replaces asparagine, which is neutral and polar, with lysine, which is basic and polar, at codon 108 of the CAPN3 protein (p.Asn108Lys). This variant is not present in population databases (gnomAD no frequency). This variant has not been reported in the literature in individuals affected with CAPN3-related conditions. ClinVar contains an entry for this variant (Variation ID: 1352483). Invitae Evidence Modeling of protein sequence and biophysical properties (such as structural, functional, and spatial information, amino acid conservation, physicochemical variation, residue mobility, and thermodynamic stability) indicates that this missense variant is not expected to disrupt CAPN3 protein function with a negative predictive value of 80%. In summary, the available evidence is currently insufficient to determine the role of this variant in disease. Therefore, it has been classified as a Variant of Uncertain Significance.